The following is an entry in ClinVar:

NM_001375808.2(LPIN2):c.2175-253A>G

Gene: LPIN2 (lipin 2; minus strand). Cytogenetic location: 18p11.31.
Variant type: single nucleotide variant.
Coding change: c.2175-253A>G on transcript NM_001375808.2 (MANE Select); 253 bases into the intron before coding-DNA position 2175, A replaced by G.
Molecular consequence: intron variant.
Genome position (GRCh38, 1-based): chr18:2,922,452, T>C on the plus strand (A>G on the coding strand, the complement: LPIN2 is on the minus strand). VCF-style: chr18-2922452-T-C. GRCh37 (hg19) VCF-style: chr18-2922450-T-C.
Other names: c.2175-253A>G (NM_014646.2, NM_001375809.1).
Identifiers: ClinVar variation 668717 (VCV000668717.1), dbSNP rs12458532, ClinGen allele CA14543794.

ClinVar aggregate classification (germline): Benign (1 of 4 stars; one submission).

Allele frequency attached by ClinVar (database versions not stated): gnomAD 0.37314 and 0.38204; TOPMed 0.38354; 1000 Genomes Project 30x 0.44691; 1000 Genomes Project 0.45687.
gnomAD v4.1: 57,999 of 151,664 alleles (38%); highest among the groups gnomAD compares: East Asian, 66%; 11,421 homozygotes.

Submission:

GeneDx
Classification: Benign. Last evaluated: 2018-06-19. Review status: criteria provided, single submitter. Criteria: GeneDx Variant Classification (06012015). Collection method: clinical testing. Allele origin: germline. Affected: yes.
Comment: This variant is considered likely benign or benign based on one or more of the following criteria: it is a conservative change, it occurs at a poorly conserved position in the protein, it is predicted to be benign by multiple in silico algorithms, and/or has population frequency not consistent with disease.